The following is an entry in ClinVar:

NM_001927.4(DES):c.515A>C (p.Gln172Pro)

Gene: DES (desmin; plus strand). Cytogenetic location: 2q35.
Variant type: single nucleotide variant.
Coding change: c.515A>C on transcript NM_001927.4 (MANE Select); coding-DNA position 515, A replaced by C.
Protein change: p.Gln172Pro; replaces glutamine 172 with proline.
Molecular consequence: missense variant. On other transcripts: intron variant (1).
Genome position (GRCh38, 1-based): chr2:219,418,977, A>C. VCF-style: chr2-219418977-A-C. GRCh37 (hg19) VCF-style: chr2-220283699-A-C.
Other names: c.515A>C, p.Gln172Pro (NM_001382708.1, NM_001382709.1, NM_001382710.1 and 2 more transcripts); c.495+20A>C (NM_001382713.1); short protein forms Q172P.
Identifiers: ClinVar variation 1361684 (VCV001361684.6), dbSNP rs2125166557, ClinGen allele CA350686790.

ClinVar aggregate classification (germline): Uncertain significance (1 of 4 stars; one submission).

Conditions:
Desmin-related myofibrillar myopathy (MFM1). Also called: Desminopathy; Desmin related myopathy (former name); Desmin storage myopathy (former name); MYOFIBRILLAR MYOPATHY WITH ARRHYTHMOGENIC RIGHT VENTRICULAR CARDIOMYOPATHY; DESMIN-RELATED MYOPATHY WITH ARRHYTHMOGENIC RIGHT VENTRICULAR CARDIOMYOPATHY; Myofibrillar myopathy 1. Identifiers: Orphanet 363543, Orphanet 98909, MedGen C1832370, MONDO:0011076, OMIM 601419.

Submission:

Labcorp Genetics (formerly Invitae), Labcorp
Classification: Uncertain significance for Desmin-related myofibrillar myopathy. Last evaluated: 2021-08-18. Review status: criteria provided, single submitter. Criteria: Invitae Variant Classification Sherloc (09022015). Collection method: clinical testing. Allele origin: germline.
Comment: This variant has not been reported in the literature in individuals affected with DES-related conditions. Algorithms developed to predict the effect of missense changes on protein structure and function are either unavailable or do not agree on the potential impact of this missense change (SIFT: "Deleterious"; PolyPhen-2: "Possibly Damaging"; Align-GVGD: "Class C0"). In summary, the available evidence is currently insufficient to determine the role of this variant in disease. Therefore, it has been classified as a Variant of Uncertain Significance. The frequency data for this variant in the population databases is considered unreliable, as metrics indicate insufficient coverage at this position in the ExAC database. This sequence change replaces glutamine with proline at codon 172 of the DES protein (p.Gln172Pro). The glutamine residue is highly conserved and there is a moderate physicochemical difference between glutamine and proline.